The following is an entry in ClinVar:

ClinVar aggregate classification (germline): Uncertain significance. Review status: criteria provided, multiple submitters, no conflicts (2 of 4 stars). 2 submissions from 2 submitters: Uncertain significance (2). Last evaluated 2025-04-08.

Allele frequency attached by ClinVar (database versions not stated): TOPMed below 0.00001.

Submissions (2):

Ambry Genetics
Classification: Uncertain significance. Last evaluated: 2025-04-08. Review status: criteria provided, single submitter. Criteria: Ambry Variant Classification Scheme 2023. Collection method: clinical testing. Allele origin: germline.

Labcorp Genetics (formerly Invitae), Labcorp
Classification: Uncertain significance. Last evaluated: 2022-11-12. Review status: criteria provided, single submitter. Criteria: Invitae Variant Classification Sherloc (09022015). Collection method: clinical testing. Allele origin: germline.
Comment: In summary, the available evidence is currently insufficient to determine the role of this variant in disease. Therefore, it has been classified as a Variant of Uncertain Significance. This sequence change replaces alanine, which is neutral and non-polar, with valine, which is neutral and non-polar, at codon 733 of the DISP1 protein (p.Ala733Val). This variant is not present in population databases (gnomAD no frequency). This variant has not been reported in the literature in individuals affected with DISP1-related conditions. Algorithms developed to predict the effect of missense changes on protein structure and function are either unavailable or do not agree on the potential impact of this missense change (SIFT: "Tolerated"; PolyPhen-2: "Possibly Damaging"; Align-GVGD: "Class C0").

NM_001377229.1(DISP1):c.2198C>T (p.Ala733Val)

Gene: DISP1 (dispatched RND transporter family member 1; plus strand). Cytogenetic location: 1q41.
Variant type: single nucleotide variant.
Coding change: c.2198C>T on transcript NM_001377229.1 (MANE Select); coding-DNA position 2198, C replaced by T.
Protein change: p.Ala733Val; replaces alanine 733 with valine.
Molecular consequence: missense variant.
Genome position (GRCh38, 1-based): chr1:223,003,595, C>T. VCF-style: chr1-223003595-C-T. GRCh37 (hg19) VCF-style: chr1-223176937-C-T.
Other names: c.1469C>T, p.Ala490Val (NM_001350630.2); c.2198C>T, p.Ala733Val (NM_001369594.1, NM_001377228.1, NM_032890.5); c.2198C>T (NM_032890.3); short protein forms A733V, A490V.
Identifiers: ClinVar variation 2881563 (VCV002881563.4), dbSNP rs1679649215, ClinGen allele CA344680887.